The following is an entry in ClinVar:

ClinVar aggregate classification (germline): Pathogenic (0 of 4 stars; one submission).

Conditions:
Pyruvate dehydrogenase E1-alpha deficiency (PDHAD). Also called: ATAXIA, INTERMITTENT, WITH PYRUVATE DEHYDROGENASE DEFICIENCY; ATAXIA WITH LACTIC ACIDOSIS I; ATAXIA, INTERMITTENT, WITH ABNORMAL PYRUVATE METABOLISM; Ataxia, intermittent, with pyruvate dehydrogenase, or decarboxylase, deficiency. Identifiers: Orphanet 79243, MedGen C1839413, MONDO:0010717, OMIM 312170.

Submission:

PDHA1 Study Group, University Children’s Hospital, Paracelsus Medical University
Classification: Pathogenic for Pyruvate dehydrogenase E1-alpha deficiency. Last evaluated: 2024-10-15. Review status: no assertion criteria provided. Collection method: research. Allele origin: de novo. Affected: yes. Observed: 1 variant allele.
Comment: The NM_000284.3:c.457A>G (p.Met153Val) substitution is a missense variant in PDHA1 gene. Among them, 1 case had confirmed de novo occurrence. The variant has been reported in 1 published case (PMIDs: 19517265). Last literature search: July 12, 2024. This variant is absent or extremely rare in population-based cohorts in the Genome Aggregation Database (gnomAD). Individuals harboring this variant presented with clinical features compatible with PDHA1-related PDHc deficiency. In summary, this variant meets criteria to be classified as pathogenic (P) for PDHA1-related PDHc deficiency based on the ACMG/AMP criteria applied: PS2, PM1, PM2, PM7, PP3 (last assessment October 15, 2024).

Literature cited by the submitters: PubMed 19517265; DOI 10.1093/brain/awaf430.

NM_000284.4(PDHA1):c.457A>G (p.Met153Val)

Gene: PDHA1 (pyruvate dehydrogenase E1 subunit alpha 1; plus strand). Cytogenetic location: Xp22.12.
Variant type: single nucleotide variant.
Coding change: c.457A>G on transcript NM_000284.4 (MANE Select); coding-DNA position 457, A replaced by G.
Protein change: p.Met153Val; replaces methionine 153 with valine.
Molecular consequence: missense variant.
Genome position (GRCh38, 1-based): chrX:19,353,120, A>G. VCF-style: chrX-19353120-A-G. GRCh37 (hg19) VCF-style: chrX-19371238-A-G.
Other names: c.571A>G, p.Met191Val (NM_001173454.2); c.478A>G, p.Met160Val (NM_001173455.2); c.457A>G, p.Met153Val (NM_001173456.2); short protein forms M153V, M160V, M191V.
Identifiers: ClinVar variation 4070328 (VCV004070328.1).